The following is an entry in ClinVar:

NM_031443.4(CCM2):c.467del (p.Lys156fs)

Gene: CCM2 (CCM2 scaffold protein; plus strand). Cytogenetic location: 7p13.
Variant type: Deletion.
Coding change: c.467del on transcript NM_031443.4 (MANE Select); coding-DNA position 467, one base deleted (A; older notation c.467delA).
Protein change: p.Lys156fs; shifts the reading frame from lysine 156.
Molecular consequence: frameshift variant. On other transcripts: non-coding transcript variant (1).
Genome position (GRCh38, 1-based): chr7:45,064,641, A deleted; the last of 2 consecutive A bases (chr7:45,064,640-45,064,641); deleting either gives the same sequence. VCF-style (leftmost placement, unchanged base first): chr7-45064639-GA-G. GRCh37 (hg19) VCF-style: chr7-45104238-GA-G.
Other names: c.530del, p.Lys177fs (NM_001029835.2); c.293del, p.Lys98fs (NM_001167934.2, NM_001363459.2); c.467del, p.Lys156fs (NM_001167935.2, NM_001363458.2); short protein forms K177fs, K98fs, K156fs.
Identifiers: ClinVar variation 2700207 (VCV002700207.3), dbSNP rs2486113917, ClinGen allele CA2697557258.
Genomic context (GRCh38, chr7:45,064,639, plus strand): 5'-CATCCATGACATCGCCGCCGTCTCCTATGTTCGGGATGACGCTGCACACCTGGTGGTCCT[GA>G]AGACAGGTACAGGAGGTCAGGGGTCAGGAGGGTCCTTGTCCTAAGGAGTACATGTGTGAA-3'

ClinVar aggregate classification (germline): Pathogenic (1 of 4 stars; one submission).

Conditions:
Cerebral cavernous malformation 2. Also called: Familial Cerebral Cavernous Malformation 2. Identifiers: Orphanet 221061, MedGen C1864041, MONDO:0011304, OMIM 603284.

Submission:

Labcorp Genetics (formerly Invitae), Labcorp
Classification: Pathogenic for Cerebral cavernous malformation 2. Last evaluated: 2023-12-01. Review status: criteria provided, single submitter. Criteria: Invitae Variant Classification Sherloc (09022015). Collection method: clinical testing. Allele origin: germline.
Comment: This sequence change creates a premature translational stop signal (p.Lys156Argfs*58) in the CCM2 gene. It is expected to result in an absent or disrupted protein product. Loss-of-function variants in CCM2 are known to be pathogenic (PMID: 18300272, 24689081). This variant is not present in population databases (gnomAD no frequency). This variant has not been reported in the literature in individuals affected with CCM2-related conditions. For these reasons, this variant has been classified as Pathogenic.

Literature cited by the submitters: PubMed 18300272; PubMed 24689081.